The following is an entry in ClinVar:

NM_001378452.1(ITPR1):c.367-170_367-169del

Gene: ITPR1 (inositol 1,4,5-trisphosphate receptor type 1; plus strand). Cytogenetic location: 3p26.1.
Variant type: Deletion.
Coding change: c.367-170_367-169del on transcript NM_001378452.1 (MANE Select); 170 bases into the intron before coding-DNA position 367 through 169 bases into the intron before coding-DNA position 367, 2 bases deleted (TT; older notation c.367-170_367-169delTT).
Molecular consequence: intron variant.
Genome position (GRCh38, 1-based): chr3:4,641,923-4,641,924, TT deleted. VCF-style (leftmost placement, unchanged base first): chr3-4641922-GTT-G. GRCh37 (hg19) VCF-style: chr3-4683606-GTT-G.
Other names: c.367-170_367-169del (NM_001099952.4, NM_001168272.2, NM_002222.7).
Identifiers: ClinVar variation 4999520 (VCV004999520.1).

ClinVar aggregate classification (germline): Uncertain significance (1 of 4 stars; one submission).

Conditions:
ITPR1-related disorder. Also called: ITPR1-related condition.

Submission:

PreventionGenetics, part of Exact Sciences
Classification: Uncertain significance for ITPR1-related condition. Last evaluated: 2025-02-20. Review status: criteria provided, single submitter. Criteria: ACMG Guidelines, 2015. Collection method: clinical testing. Allele origin: germline.
Comment: The ITPR1 c.367-170_367-169delTT variant is predicted to result in an intronic deletion. To our knowledge, this variant has not been reported in the literature or in a large population database (gnomAD), indicating this variant is rare. Splice prediction algorithms do not predict this variant would result in an impact on splicing (SpliceAI, Jaganathan et al. 2019. PubMed ID: 30661751). While we suspect this variant could be benign, at this the clinical significance of this variant is uncertain due to the absence of conclusive functional and genetic evidence.